The following is an entry in ClinVar:

NM_002470.4(MYH3):c.505+12A>G

Gene: MYH3 (myosin heavy chain 3; minus strand). Cytogenetic location: 17p13.1.
Variant type: single nucleotide variant.
Coding change: c.505+12A>G on transcript NM_002470.4 (MANE Select); 12 bases into the intron after coding-DNA position 505, A replaced by G.
Molecular consequence: intron variant.
Genome position (GRCh38, 1-based): chr17:10,651,500, T>C on the plus strand (A>G on the coding strand, the complement: MYH3 is on the minus strand). VCF-style: chr17-10651500-T-C. GRCh37 (hg19) VCF-style: chr17-10554817-T-C.
Identifiers: ClinVar variation 889940 (VCV000889940.8), dbSNP rs200031876, ClinGen allele CA8393268.

ClinVar aggregate classification (germline): Conflicting classifications of pathogenicity. Review status: criteria provided, conflicting classifications (1 of 4 stars). 4 submissions from 3 submitters: Uncertain significance (1); Likely benign (3). Last evaluated 2023-11-15.

Conditions:
Freeman-Sheldon syndrome (DA2A). Also called: WHISTLING FACE-WINDMILL VANE HAND SYNDROME; Arthrogryposis, distal, type 2A (Freeman-Sheldon); CRANIOCARPOTARSAL DYSPLASIA; CRANIOCARPOTARSAL DYSTROPHY. Identifiers: Orphanet 2053, MedGen C0265224, MONDO:0008675, OMIM 193700.
Distal arthrogryposis type 2B1 (DA2B1). Also called: Arthrogryposis multiplex congenita distal type II with craniofacial abnormalities. Identifiers: Orphanet 1147, MedGen C5193014, MONDO:0020820, OMIM 601680.

Allele frequency attached by ClinVar (database versions not stated): gnomAD 0.00001 and 0.00003; ExAC 0.00002; gnomAD exomes 0.00003 and 0.00006; TOPMed 0.00005; 1000 Genomes Project 30x 0.00016; 1000 Genomes Project 0.00020.
gnomAD v4.1: 91 of 1,613,068 alleles (0.0056%); highest among the groups gnomAD compares: Non-Finnish European, 0.0073%; no homozygotes.

Submissions (4):

Labcorp Genetics (formerly Invitae), Labcorp
Classification: Likely benign. Last evaluated: 2023-11-15. Review status: criteria provided, single submitter. Criteria: Invitae Variant Classification Sherloc (09022015). Collection method: clinical testing. Allele origin: germline.

Blueprint Genetics
Classification: Likely benign. Last evaluated: 2023-01-26. Review status: criteria provided, single submitter. Criteria: ACMG Guidelines, 2015. Collection method: clinical testing. Allele origin: germline.

Illumina Laboratory Services, Illumina
Classification: Uncertain significance for Distal arthrogryposis type 2B1. Last evaluated: 2018-01-13. Review status: criteria provided, single submitter. Criteria: ICSL Variant Classification Criteria 13 December 2019. Collection method: clinical testing. Allele origin: germline.

Illumina Laboratory Services, Illumina
Classification: Likely benign for Freeman-Sheldon syndrome. Last evaluated: 2018-01-13. Review status: criteria provided, single submitter. Criteria: ICSL Variant Classification Criteria 13 December 2019. Collection method: clinical testing. Allele origin: germline.
Comment: This variant was observed in the ICSL laboratory as part of a predisposition screen in an ostensibly healthy population. It had not been previously curated by ICSL or reported in the Human Gene Mutation Database (HGMD: prior to June 1st, 2018), and was therefore a candidate for classification through an automated scoring system. Utilizing variant allele frequency, disease prevalence and penetrance estimates, and inheritance mode, an automated score was calculated to assess if this variant is too frequent to cause the disease. Based on the score and internal cut-off values, a variant classified as likely benign is not then subjected to further curation. The score for this variant resulted in a classification of likely benign for this disease.